The following is an entry in ClinVar:

NM_024675.4(PALB2):c.1000T>G (p.Tyr334Asp)

Gene: PALB2 (partner and localizer of BRCA2; minus strand). Cytogenetic location: 16p12.2.
Variant type: single nucleotide variant.
Coding change: c.1000T>G on transcript NM_024675.4 (MANE Select); coding-DNA position 1000, T replaced by G.
Protein change: p.Tyr334Asp; replaces tyrosine 334 with aspartic acid.
Molecular consequence: missense variant.
Genome position (GRCh38, 1-based): chr16:23,635,546, A>C on the plus strand (T>G on the coding strand, the complement: PALB2 is on the minus strand). VCF-style: chr16-23635546-A-C. GRCh37 (hg19) VCF-style: chr16-23646867-A-C.
Other names: short protein forms Y334D.
Identifiers: ClinVar variation 126580 (VCV000126580.30), dbSNP rs202241382, ClinGen allele CA193504.
Genomic context (GRCh38, chr16:23,635,546, plus strand): 5'-ATTTCTCTGTTTGATTTTGTTCTTTTAAGTTTTGGTTTTCATTTGCTGGTAAGTTATTGT[A>C]GGTGAGTTCATTTAGAGAACATGAAATATTTGCCTCTAAATTAGAACTTGTGGGCAGTTG-3'
Protein context (NP_078951.2, residues 324-344): NISCSLNELT[Tyr334Asp]NNLPANENQN

ClinVar aggregate classification (germline): Conflicting classifications of pathogenicity. Review status: criteria provided, conflicting classifications (1 of 4 stars). 10 submissions from 10 submitters: Uncertain significance (2); Benign (3); Likely benign (4). 1 of the submissions does not count toward it. Last evaluated 2026-04-08.

Conditions:
Hereditary cancer-predisposing syndrome. Also called: Tumor predisposition; Hereditary neoplastic syndrome; Neoplastic Syndromes, Hereditary; Hereditary Cancer Syndrome. Identifiers: Orphanet 140162, MedGen C0027672, MeSH D009386, MONDO:0015356.
Familial cancer of breast. Also called: hereditary breast carcinoma; Hereditary breast cancer; BREAST CANCER, FAMILIAL. Identifiers: Orphanet 227535, MedGen C0346153, MONDO:0016419, OMIM 114480. Disease mechanism: loss of function.
Fanconi anemia complementation group N. Also called: PALB2-Related Fanconi Anemia. Identifiers: Orphanet 84, MedGen C1835817, MONDO:0012565, OMIM 610832. Disease mechanism: loss of function.
Inherited breast cancer and ovarian cancer.

Allele frequency attached by ClinVar (database versions not stated): TOPMed 0.00002; gnomAD 0.00023 and 0.00026; gnomAD exomes 0.00024 and 0.00053; ExAC 0.00054.
gnomAD v4.1: 385 of 1,613,172 alleles (0.024%); highest among the groups gnomAD compares: Non-Finnish European, 0.0025%; 3 homozygotes.

Submissions (10):

Genomics and Molecular Medicine Service, East Genomic Laboratory Hub, NHS Genomic Medicine Service
Classification: Uncertain significance for Inherited breast cancer and ovarian cancer. Last evaluated: 2026-04-08. Review status: criteria provided, single submitter. Criteria: ACGS Best Practice Guidelines for Variant Classification in Rare Disease 2020. Collection method: clinical testing. Allele origin: germline. Affected: yes.
Comment: BP1

Labcorp Genetics (formerly Invitae), Labcorp
Classification: Benign for Familial cancer of breast. Last evaluated: 2026-01-07. Review status: criteria provided, single submitter. Criteria: Invitae Variant Classification Sherloc (09022015). Collection method: clinical testing. Allele origin: germline.

Center for Genomic Medicine, Rigshospitalet, Copenhagen University Hospital
Classification: Likely benign. Last evaluated: 2025-03-04. Review status: criteria provided, single submitter. Criteria: ACMG Guidelines, 2015. Collection method: clinical testing. Allele origin: germline.

GeneDx
Classification: Uncertain significance. Last evaluated: 2023-12-22. Review status: criteria provided, single submitter. Criteria: GeneDx Variant Classification Process June 2021. Collection method: clinical testing. Allele origin: germline. Affected: yes.
Comment: Observed individuals with breast or pancreatic cancer, as well as in unaffected controls (PMID: 21356067, 25356972); In silico analysis supports that this missense variant has a deleterious effect on protein structure/function; This variant is associated with the following publications: (PMID: 21356067, 25356972)

Blueprint Genetics
Classification: Likely benign. Last evaluated: 2023-08-11. Review status: criteria provided, single submitter. Criteria: ACMG Guidelines, 2015. Collection method: clinical testing. Allele origin: germline.

Sema4
Classification: Benign for Hereditary cancer-predisposing syndrome. Last evaluated: 2022-03-06. Review status: criteria provided, single submitter. Criteria: Sema4 Curation Guidelines. Collection method: curation. Allele origin: germline.

Ambry Genetics
Classification: Likely benign for Hereditary cancer-predisposing syndrome. Last evaluated: 2019-04-29. Review status: criteria provided, single submitter. Criteria: Ambry Variant Classification Scheme 2023. Collection method: clinical testing. Allele origin: germline.

Illumina Laboratory Services, Illumina
Classification: Likely benign for Fanconi anemia complementation group N. Last evaluated: 2017-04-27. Review status: criteria provided, single submitter. Criteria: ICSL Variant Classification Criteria 13 December 2019. Collection method: clinical testing. Allele origin: germline.
Comment: This variant was observed as part of a predisposition screen in an ostensibly healthy population. A literature search was performed for the gene, cDNA change, and amino acid change (where applicable). Publications were found based on this search. The evidence from the literature, in combination with allele frequency data from public databases where available, was sufficient to determine this variant is unlikely to cause disease. Therefore, this variant is classified as likely benign.

Color Diagnostics, LLC DBA Color Health
Classification: Benign for Hereditary cancer-predisposing syndrome. Last evaluated: 2016-10-27. Review status: criteria provided, single submitter. Criteria: ACMG Guidelines, 2015. Collection method: clinical testing. Allele origin: germline.

Leiden Open Variation Database
Classification: Likely benign. Last evaluated: 2019-05-13. Review status: no assertion criteria provided. Collection method: curation. Allele origin: germline. Affected: yes. Not counted in ClinVar's aggregate classification.
Comment: Curators: Marc Tischkowitz, Arleen D. Auerbach. Submitters to LOVD: Marc Tischkowitz, Melissa DeRycke.

Literature cited by the submitters: PubMed 21356067 (cited by 3 submitters); PubMed 25356972 (cited by Illumina Laboratory Services, Illumina and Leiden Open Variation Database).